The following is an entry in ClinVar:

NM_005271.5(GLUD1):c.806T>C (p.Ile269Thr)

Gene: GLUD1 (glutamate dehydrogenase 1; minus strand). Cytogenetic location: 10q23.2.
Variant type: single nucleotide variant.
Coding change: c.806T>C on transcript NM_005271.5 (MANE Select); coding-DNA position 806, T replaced by C.
Protein change: p.Ile269Thr; replaces isoleucine 269 with threonine.
Molecular consequence: missense variant.
Genome position (GRCh38, 1-based): chr10:87,062,771, A>G on the plus strand (T>C on the coding strand, the complement: GLUD1 is on the minus strand). VCF-style: chr10-87062771-A-G. GRCh37 (hg19) VCF-style: chr10-88822528-A-G.
Other names: c.407T>C, p.Ile136Thr (NM_001318900.1); c.305T>C, p.Ile102Thr (NM_001318901.1, NM_001318902.1, NM_001318904.2 and 2 more transcripts); short protein forms I136T, I269T, I102T.
Identifiers: ClinVar variation 3651376 (VCV003651376.2).

ClinVar aggregate classification (germline): Uncertain significance (1 of 4 stars; one submission).

Conditions:
Hyperinsulinism-hyperammonemia syndrome (HHF6). Identifiers: Orphanet 35878, MedGen C1847555, MONDO:0011717, OMIM 606762.

Submission:

Labcorp Genetics (formerly Invitae), Labcorp
Classification: Uncertain significance for Hyperinsulinism-hyperammonemia syndrome. Last evaluated: 2024-04-27. Review status: criteria provided, single submitter. Criteria: Invitae Variant Classification Sherloc (09022015). Collection method: clinical testing. Allele origin: germline.
Comment: This sequence change replaces isoleucine, which is neutral and non-polar, with threonine, which is neutral and polar, at codon 269 of the GLUD1 protein (p.Ile269Thr). This variant is not present in population databases (gnomAD no frequency). This variant has not been reported in the literature in individuals affected with GLUD1-related conditions. Advanced modeling of protein sequence and biophysical properties (such as structural, functional, and spatial information, amino acid conservation, physicochemical variation, residue mobility, and thermodynamic stability) performed at Invitae indicates that this missense variant is not expected to disrupt GLUD1 protein function with a negative predictive value of 80%. In summary, the available evidence is currently insufficient to determine the role of this variant in disease. Therefore, it has been classified as a Variant of Uncertain Significance.